The following is an entry in ClinVar:

ClinVar aggregate classification (germline): Uncertain significance. Review status: criteria provided, multiple submitters, no conflicts (2 of 4 stars). 2 submissions from 2 submitters: Uncertain significance (2). Last evaluated 2025-09-15.

Allele frequency attached by ClinVar (database versions not stated): gnomAD exomes 0.00001 and 0.00002; ExAC 0.00003; gnomAD 0.00004; TOPMed 0.00004; ESP Exome Variant Server 0.00008.
gnomAD v4.1: 26 of 1,606,212 alleles (0.0016%); highest among the groups gnomAD compares: African/African-American, 0.008%; no homozygotes.

Submissions (2):

Labcorp Genetics (formerly Invitae), Labcorp
Classification: Uncertain significance. Last evaluated: 2025-09-15. Review status: criteria provided, single submitter. Criteria: Invitae Variant Classification Sherloc (09022015). Collection method: clinical testing. Allele origin: germline.
Comment: This sequence change replaces valine, which is neutral and non-polar, with isoleucine, which is neutral and non-polar, at codon 166 of the ARL3 protein (p.Val166Ile). This variant is present in population databases (rs374365288, gnomAD 0.008%). This missense change has been observed in individual(s) with clinical features of ARL3-related conditions (internal data). ClinVar contains an entry for this variant (Variation ID: 1056502). An algorithm developed to predict the effect of missense changes on protein structure and function outputs the following: PolyPhen-2: "Benign". The isoleucine amino acid residue is found in multiple mammalian species, which suggests that this missense change does not adversely affect protein function. In summary, the available evidence is currently insufficient to determine the role of this variant in disease. Therefore, it has been classified as a Variant of Uncertain Significance.

Blueprint Genetics
Classification: Uncertain significance. Last evaluated: 2023-09-15. Review status: criteria provided, single submitter. Criteria: ACMG Guidelines, 2015. Collection method: clinical testing. Allele origin: germline.

NM_004311.4(ARL3):c.496G>A (p.Val166Ile)

Gene: ARL3 (ARF like GTPase 3; minus strand). Cytogenetic location: 10q24.32.
Variant type: single nucleotide variant.
Coding change: c.496G>A on transcript NM_004311.4 (MANE Select); coding-DNA position 496, G replaced by A.
Protein change: p.Val166Ile; replaces valine 166 with isoleucine.
Molecular consequence: missense variant.
Genome position (GRCh38, 1-based): chr10:102,685,821, C>T on the plus strand (G>A on the coding strand, the complement: ARL3 is on the minus strand). VCF-style: chr10-102685821-C-T. GRCh37 (hg19) VCF-style: chr10-104445578-C-T.
Other names: short protein forms V166I.
Identifiers: ClinVar variation 1056502 (VCV001056502.8), dbSNP rs374365288, ClinGen allele CA5668420.